The following is an entry in ClinVar:

NM_000090.4(COL3A1):c.1445C>A (p.Ala482Glu)

Gene: COL3A1 (collagen type III alpha 1 chain; plus strand). Cytogenetic location: 2q32.2.
Variant type: single nucleotide variant.
Coding change: c.1445C>A on transcript NM_000090.4 (MANE Select); coding-DNA position 1445, C replaced by A.
Protein change: p.Ala482Glu; replaces alanine 482 with glutamic acid.
Molecular consequence: missense variant.
Genome position (GRCh38, 1-based): chr2:188,994,821, C>A. VCF-style: chr2-188994821-C-A. GRCh37 (hg19) VCF-style: chr2-189859547-C-A.
Other names: short protein forms A482E.
Identifiers: ClinVar variation 3071713 (VCV003071713.1), dbSNP rs2469130396, ClinGen allele CA349851933.

ClinVar aggregate classification (germline): Uncertain significance (1 of 4 stars; one submission).

Conditions:
Ehlers-Danlos syndrome, type 4 (EDSVASC). Also called: Ehlers-Danlos Syndrome Type IV; Ehlers-Danlos syndrome vascular type; Ehlers Danlos syndrome, ecchymotic type; Ehlers Danlos syndrome, arterial type; Ehlers Danlos syndrome, Sack-Barabas type. Identifiers: Orphanet 286, MedGen C0268338, MONDO:0017314, OMIM 130050.

Submission:

All of Us Research Program, National Institutes of Health
Classification: Uncertain significance for Ehlers-Danlos syndrome, type 4. Last evaluated: 2023-06-28. Review status: criteria provided, single submitter. Criteria: ACMG Guidelines, 2015. Collection method: clinical testing. Allele origin: germline. Inheritance: Autosomal dominant inheritance. Observed: 1 variant allele, 1 heterozygote.
Comment: This study involves interpretation of variants in research participants for the purpose of population health screening. Participant phenotype was not available at the time of variant classification. Additional details can be found in publication PMID: 35346344, PMCID: PMC8962531